The following is an entry in ClinVar:

ClinVar aggregate classification (germline): Uncertain significance (1 of 4 stars; one submission).

Submission:

Ambry Genetics
Classification: Uncertain significance. Last evaluated: 2025-11-08. Review status: criteria provided, single submitter. Criteria: Ambry Variant Classification Scheme 2023. Collection method: clinical testing. Allele origin: germline.
Comment: The p.K559E variant (also known as c.1675A>G), located in coding exon 8 of the RNF43 gene, results from an A to G substitution at nucleotide position 1675. The lysine at codon 559 is replaced by glutamic acid, an amino acid with similar properties. This amino acid position is conserved. In addition, this alteration is predicted to be tolerated by in silico analysis. Based on the available evidence, the clinical significance of this variant remains unclear.

NM_017763.6(RNF43):c.1675A>G (p.Lys559Glu)

Gene: RNF43 (ring finger protein 43; minus strand). Cytogenetic location: 17q22.
Variant type: single nucleotide variant.
Coding change: c.1675A>G on transcript NM_017763.6 (MANE Select); coding-DNA position 1675, A replaced by G.
Protein change: p.Lys559Glu; replaces lysine 559 with glutamic acid.
Molecular consequence: missense variant.
Genome position (GRCh38, 1-based): chr17:58,358,101, T>C on the plus strand (A>G on the coding strand, the complement: RNF43 is on the minus strand). VCF-style: chr17-58358101-T-C. GRCh37 (hg19) VCF-style: chr17-56435462-T-C.
Other names: c.1675A>G, p.Lys559Glu (NM_001305544.3, NM_001438820.1, NM_001438821.1 and 1 more transcripts); c.1294A>G, p.Lys432Glu (NM_001305545.2, NM_001437987.1); short protein forms K432E, K559E.
Identifiers: ClinVar variation 4578987 (VCV004578987.1).
Genomic context (GRCh38, chr17:58,358,101, plus strand): 5'-TGGACTGGGGGACTCCGGTTTCTGGGCCAGGCTTCCTGCCATGCCACTGGAACCGCTTTT[T>C]GTAGTGGTGGTGCCGGTGGCGGTGGTAGTGGACATGGCTGGAAACCTGGGTTTCCCCTGT-3'
Protein context (NP_060233.3, residues 549-569): HYHRHRHHHY[Lys559Glu]KRFQWHGRKP